The following is an entry in ClinVar:

ClinVar aggregate classification (germline): Uncertain significance (1 of 4 stars; one submission).

Conditions:
Hereditary diffuse gastric adenocarcinoma (HDGC). Also called: DIFFUSE GASTRIC AND LOBULAR BREAST CANCER SYNDROME. Identifiers: Orphanet 26106, MedGen C1708349, MONDO:0007648, OMIM 137215.

Allele frequency attached by ClinVar (database versions not stated): gnomAD exomes below 0.00001.
gnomAD v4.1: 1 of 1,614,102 alleles (0.000062%); highest among the groups gnomAD compares: Non-Finnish European, 0.000085%; no homozygotes.

Submission:

Labcorp Genetics (formerly Invitae), Labcorp
Classification: Uncertain significance for Hereditary diffuse gastric adenocarcinoma. Last evaluated: 2024-02-03. Review status: criteria provided, single submitter. Criteria: Invitae Variant Classification Sherloc (09022015). Collection method: clinical testing. Allele origin: germline.
Comment: This sequence change replaces lysine, which is basic and polar, with glutamic acid, which is acidic and polar, at codon 608 of the CDH1 protein (p.Lys608Glu). This variant is not present in population databases (gnomAD no frequency). This variant has not been reported in the literature in individuals affected with CDH1-related conditions. Algorithms developed to predict the effect of missense changes on protein structure and function output the following: SIFT: "Not Available"; PolyPhen-2: "Benign"; Align-GVGD: "Not Available". The glutamic acid amino acid residue is found in multiple mammalian species, which suggests that this missense change does not adversely affect protein function. In summary, the available evidence is currently insufficient to determine the role of this variant in disease. Therefore, it has been classified as a Variant of Uncertain Significance.

NM_004360.5(CDH1):c.1822A>G (p.Lys608Glu)

Gene: CDH1 (cadherin 1; plus strand). Cytogenetic location: 16q22.1.
Variant type: single nucleotide variant.
Coding change: c.1822A>G on transcript NM_004360.5 (MANE Select); coding-DNA position 1822, A replaced by G.
Protein change: p.Lys608Glu; replaces lysine 608 with glutamic acid.
Molecular consequence: missense variant. On other transcripts: 5 prime UTR variant (1).
Genome position (GRCh38, 1-based): chr16:68,822,111, A>G. VCF-style: chr16-68822111-A-G. GRCh37 (hg19) VCF-style: chr16-68856014-A-G.
Other names: c.1639A>G, p.Lys547Glu (NM_001317184.2); c.274A>G, p.Lys92Glu (NM_001317185.2); c.-144A>G (NM_001317186.2); short protein forms K547E, K608E, K92E.
Identifiers: ClinVar variation 2829377 (VCV002829377.3), dbSNP rs2152138379, ClinGen allele CA396466846.
Genomic context (GRCh38, chr16:68,822,111, plus strand): 5'-GTGAATGACAACGCCCCCATACCAGAACCTCGAACTATATTCTTCTGTGAGAGGAATCCA[A>G]AGCCTCAGGTCATAAACATCATTGATGCAGACCTTCCTCCCAATACATCTCCCTTCACAG-3'
Protein context (NP_004351.1, residues 598-618): RTIFFCERNP[Lys608Glu]PQVINIIDAD